The following is an entry in ClinVar:

ClinVar aggregate classification (germline): Likely pathogenic (1 of 4 stars; one submission).

Conditions:
Hereditary breast ovarian cancer syndrome. Also called: Hereditary breast and ovarian cancer; Hereditary breast and ovarian cancer syndrome (HBOC); Breast and ovarian cancer; Hereditary breast and/or ovarian cancer syndrome; BRCA1- and BRCA2-Associated Hereditary Breast and Ovarian Cancer; Hereditary breast and ovarian cancer syndrome. Identifiers: Orphanet 145, MedGen C0677776, MeSH D061325, MONDO:0003582. Disease mechanism: loss of function.

Submissions (2):

Labcorp Genetics (formerly Invitae), Labcorp
Classification: Likely pathogenic for Hereditary breast ovarian cancer syndrome. Last evaluated: 2022-12-29. Review status: criteria provided, single submitter. Criteria: Invitae Variant Classification Sherloc (09022015). Collection method: clinical testing. Allele origin: germline.
Comment: In summary, the currently available evidence indicates that the variant is pathogenic, but additional data are needed to prove that conclusively. Therefore, this variant has been classified as Likely Pathogenic. This variant disrupts the p.His41 amino acid residue in BRCA1. Other variant(s) that disrupt this residue have been determined to be pathogenic (PMID: 15168169, 16403807, 20103620, 21725363, 23161852, 24489791, 30209399; Invitae). This suggests that this residue is clinically significant, and that variants that disrupt this residue are likely to be disease-causing. Advanced modeling performed at Invitae incorporating data from internal and/or published experimental studies (PMID: 30209399) indicates that this missense variant is expected to disrupt BRCA1 function. ClinVar contains an entry for this variant (Variation ID: 868161). This variant has not been reported in the literature in individuals affected with BRCA1-related conditions. This variant is not present in population databases (gnomAD no frequency). This sequence change replaces histidine, which is basic and polar, with aspartic acid, which is acidic and polar, at codon 41 of the BRCA1 protein (p.His41Asp).

Brotman Baty Institute, University of Washington
No classification provided (evidence only). Condition: Breast-ovarian cancer, familial 1. Review status: no classification provided. Collection method: in vitro. Allele origin: not applicable. Functional consequence: functionally_abnormal. Not counted in ClinVar's aggregate classification.
ClinVar note: "not provided" was previously submitted as the classification for the variant. However, the classification appeared to be based only on an observation of functional data so it was converted to no classification on 2025-07-30.

Literature cited by the submitters: PubMed 15168169 (cited by Labcorp Genetics (formerly Invitae), Labcorp); PubMed 16403807 (cited by Labcorp Genetics (formerly Invitae), Labcorp); PubMed 20103620 (cited by Labcorp Genetics (formerly Invitae), Labcorp); PubMed 21725363 (cited by Labcorp Genetics (formerly Invitae), Labcorp); PubMed 23161852 (cited by Labcorp Genetics (formerly Invitae), Labcorp); PubMed 24489791 (cited by Labcorp Genetics (formerly Invitae), Labcorp); PubMed 30209399 (cited by Labcorp Genetics (formerly Invitae), Labcorp).

NM_007294.4(BRCA1):c.121C>G (p.His41Asp)

Gene: BRCA1 (BRCA1 DNA repair associated; minus strand). Cytogenetic location: 17q21.31.
Variant type: single nucleotide variant.
Coding change: c.121C>G on transcript NM_007294.4 (MANE Select); coding-DNA position 121, C replaced by G.
Protein change: p.His41Asp; replaces histidine 41 with aspartic acid.
Molecular consequence: missense variant. On other transcripts: non-coding transcript variant (1), intron variant (1).
Genome position (GRCh38, 1-based): chr17:43,115,739, G>C on the plus strand (C>G on the coding strand, the complement: BRCA1 is on the minus strand). VCF-style: chr17-43115739-G-C. GRCh37 (hg19) VCF-style: chr17-41267756-G-C.
Other names: c.-68C>G (NM_001407853.1, NM_001407879.1, NM_001407882.1 and 52 more transcripts); c.121C>G, p.His41Asp (NM_001407854.1, NM_001407858.1, NM_001407859.1 and 192 more transcripts); c.-184C>G (NM_001407889.1, NM_001407900.1, NM_001408492.1); c.-21C>G (NM_001407935.1, NM_001407943.1, NM_001407944.1 and 47 more transcripts); c.-137C>G (NM_001407942.1, NM_001407694.1, NM_001407696.1 and 13 more transcripts); c.-183C>G (NM_001407960.1, NM_001407962.1, NM_001408510.1 and 1 more transcripts); c.-299C>G (NM_001407965.1); c.-141C>G (NM_001407695.1, NM_001408465.1); and 2 more; short protein forms H41D.
Identifiers: ClinVar variation 868161 (VCV000868161.6), dbSNP rs1060502353, ClinGen allele CA10601916.